The following is an entry in ClinVar:

ClinVar aggregate classification (germline): Uncertain significance. Review status: criteria provided, single submitter (1 of 4 stars). 2 submissions from 2 submitters: Uncertain significance (1). 1 of the submissions does not count toward it. Last evaluated 2025-10-21.

Conditions:
Glycogen storage disease, type II (IOPD). Also called: CARDIOMEGALIA GLYCOGENICA DIFFUSA; GLYCOGENOSIS, GENERALIZED, CARDIAC FORM; GSD II; Glycogen storage disease type 2; Acid maltase deficiency disease; Aglucosidase alfa. Identifiers: Orphanet 365, MedGen C0017921, MONDO:0009290, OMIM 232300.

gnomAD v4.1: 1 of 1,606,736 alleles (0.000062%); highest among the groups gnomAD compares: East Asian, 0.0022%; no homozygotes.

Submissions (2):

Labcorp Genetics (formerly Invitae), Labcorp
Classification: Uncertain significance for Glycogen storage disease, type II. Last evaluated: 2025-10-21. Review status: criteria provided, single submitter. Criteria: Invitae Variant Classification Sherloc (09022015). Collection method: clinical testing. Allele origin: germline.
Comment: This sequence change falls in intron 17 of the GAA gene. It does not directly change the encoded amino acid sequence of the GAA protein. It affects a nucleotide within the consensus splice site. This variant is not present in population databases (gnomAD no frequency). This variant has not been reported in the literature in individuals affected with GAA-related conditions. ClinVar contains an entry for this variant (Variation ID: 4068146). Variants that disrupt the consensus splice site are a relatively common cause of aberrant splicing (PMID: 17576681, 9536098). Algorithms developed to predict the effect of sequence changes on RNA splicing suggest that this variant is not likely to affect RNA splicing. In summary, the available evidence is currently insufficient to determine the role of this variant in disease. Therefore, it has been classified as a Variant of Uncertain Significance.

Natera, Inc.
Classification: Uncertain significance for Glycogen storage disease type II. Last evaluated: 2025-05-02. Review status: no assertion criteria provided. Collection method: clinical testing. Allele origin: germline. Not counted in ClinVar's aggregate classification.

Literature cited by the submitters: PubMed 17576681 (cited by Labcorp Genetics (formerly Invitae), Labcorp); PubMed 9536098 (cited by Labcorp Genetics (formerly Invitae), Labcorp).

NM_000152.5(GAA):c.2481+4C>T

Gene: GAA (alpha glucosidase; plus strand). Cytogenetic location: 17q25.3.
Variant type: single nucleotide variant.
Coding change: c.2481+4C>T on transcript NM_000152.5 (MANE Select); 4 bases into the intron after coding-DNA position 2481, C replaced by T.
Molecular consequence: intron variant.
Genome position (GRCh38, 1-based): chr17:80,117,753, C>T. VCF-style: chr17-80117753-C-T. GRCh37 (hg19) VCF-style: chr17-78091552-C-T.
Other names: c.2481+4C>T (NM_001406741.1, NM_001406742.1, NM_001079803.3 and 1 more transcripts).
Identifiers: ClinVar variation 4068146 (VCV004068146.2).
Genomic context (GRCh38, chr17:80,117,753, plus strand): 5'-GCCCCCCTGGACACCATCAACGTCCACCTCCGGGCTGGGTACATCATCCCCCTGCAGGTA[C>T]CTGGGCCAGGCGGCTATGGTGGGGGTGTGGACAGCACACTGCAGAGCTGGGGGAGGCACA-3'